The following is an entry in ClinVar:

NM_206933.4(USH2A):c.13337A>C (p.Asn4446Thr)

Gene: USH2A (usherin; minus strand). Cytogenetic location: 1q41.
Variant type: single nucleotide variant.
Coding change: c.13337A>C on transcript NM_206933.4 (MANE Select); coding-DNA position 13337, A replaced by C.
Protein change: p.Asn4446Thr; replaces asparagine 4446 with threonine.
Molecular consequence: missense variant.
Genome position (GRCh38, 1-based): chr1:215,674,574, T>G on the plus strand (A>C on the coding strand, the complement: USH2A is on the minus strand). VCF-style: chr1-215674574-T-G. GRCh37 (hg19) VCF-style: chr1-215847916-T-G.
Other names: c.13337A>C (NM_206933.2); short protein forms N4446T.
Identifiers: ClinVar variation 2188528 (VCV002188528.5), dbSNP rs765164137, ClinGen allele CA1393314.

ClinVar aggregate classification (germline): Uncertain significance. Review status: criteria provided, multiple submitters, no conflicts (2 of 4 stars). 2 submissions from 2 submitters: Uncertain significance (2). Last evaluated 2024-04-22.

Allele frequency attached by ClinVar (database versions not stated): ExAC 0.00001; gnomAD exomes 0.00001.
gnomAD v4.1: 12 of 1,614,066 alleles (0.00074%); highest among the groups gnomAD compares: Non-Finnish European, 0.001%; no homozygotes.

Submissions (2):

GeneDx
Classification: Uncertain significance. Last evaluated: 2024-04-22. Review status: criteria provided, single submitter. Criteria: GeneDx Variant Classification Process June 2021. Collection method: clinical testing. Allele origin: germline. Affected: yes.
Comment: Not observed at significant frequency in large population cohorts (gnomAD); In silico analysis supports that this missense variant has a deleterious effect on protein structure/function; Has not been previously published as pathogenic or benign to our knowledge

Labcorp Genetics (formerly Invitae), Labcorp
Classification: Uncertain significance. Last evaluated: 2022-06-20. Review status: criteria provided, single submitter. Criteria: Invitae Variant Classification Sherloc (09022015). Collection method: clinical testing. Allele origin: germline.
Comment: In summary, the available evidence is currently insufficient to determine the role of this variant in disease. Therefore, it has been classified as a Variant of Uncertain Significance. Algorithms developed to predict the effect of missense changes on protein structure and function are either unavailable or do not agree on the potential impact of this missense change (SIFT: "Deleterious"; PolyPhen-2: "Benign"; Align-GVGD: "Class C25"). This variant has not been reported in the literature in individuals affected with USH2A-related conditions. This variant is present in population databases (rs765164137, gnomAD 0.0009%). This sequence change replaces asparagine, which is neutral and polar, with threonine, which is neutral and polar, at codon 4446 of the USH2A protein (p.Asn4446Thr).